The following is an entry in ClinVar:

ClinVar aggregate classification (germline): Pathogenic (1 of 4 stars; one submission).

Conditions:
Hereditary cancer-predisposing syndrome. Also called: Neoplastic Syndromes, Hereditary; Tumor predisposition; Hereditary Cancer Syndrome; Hereditary neoplastic syndrome. Identifiers: Orphanet 140162, MedGen C0027672, MeSH D009386, MONDO:0015356.

Submission:

Ambry Genetics
Classification: Pathogenic for Hereditary cancer-predisposing syndrome. Last evaluated: 2022-05-27. Review status: criteria provided, single submitter. Criteria: Ambry Variant Classification Scheme 2023. Collection method: clinical testing. Allele origin: germline.
Comment: The c.1874_1875delTT pathogenic mutation, located in coding exon 9 of the BRCA2 gene, results from a deletion of two nucleotides at nucleotide positions 1874 to 1875, causing a translational frameshift with a predicted alternate stop codon (p.F625*). This variant is considered to be rare based on population cohorts in the Genome Aggregation Database (gnomAD). This alteration is expected to result in loss of function by premature protein truncation or nonsense-mediated mRNA decay. As such, this alteration is interpreted as a disease-causing mutation.

NM_000059.4(BRCA2):c.1874_1875del (p.Ala624_Phe625insTer)

Gene: BRCA2 (BRCA2 DNA repair associated; plus strand). Cytogenetic location: 13q13.1.
Variant type: Deletion.
Coding change: c.1874_1875del on transcript NM_000059.4 (MANE Select); coding-DNA positions 1874 to 1875, 2 bases deleted (TT; older notation c.1874_1875delTT).
Protein change: p.Ala624_Phe625insTer.
Molecular consequence: nonsense.
Genome position (GRCh38, 1-based): chr13:32,333,352-32,333,353, TT deleted; deleting any 2 consecutive bases within chr13:32,333,350-32,333,353 gives the same sequence; the c. name uses the placement nearest the transcript's 3' end. VCF-style (leftmost placement, unchanged base first): chr13-32333349-CTT-C. GRCh37 (hg19) VCF-style: chr13-32907486-CTT-C.
Identifiers: ClinVar variation 1781735 (VCV001781735.2), dbSNP rs2548521231, ClinGen allele CA658761148.